The following is an entry in ClinVar:

NM_006397.3(RNASEH2A):c.337C>A (p.Leu113Met)

Gene: RNASEH2A (ribonuclease H2 subunit A; plus strand). Cytogenetic location: 19p13.13.
Variant type: single nucleotide variant.
Coding change: c.337C>A on transcript NM_006397.3 (MANE Select); coding-DNA position 337, C replaced by A.
Protein change: p.Leu113Met; replaces leucine 113 with methionine.
Molecular consequence: missense variant.
Genome position (GRCh38, 1-based): chr19:12,807,432, C>A. VCF-style: chr19-12807432-C-A. GRCh37 (hg19) VCF-style: chr19-12918246-C-A.
Other names: short protein forms L113M.
Identifiers: ClinVar variation 861966 (VCV000861966.9), dbSNP rs1969010870, ClinGen allele CA404265688.
Genomic context (GRCh38, chr19:12,807,432, plus strand): 5'-GCTTTGTTCCTAGAATGAGATTAACTGGGCTCTGTTCCCCACCACAGGGTCAAATACAAC[C>A]TGAACTCCCTGTCACATGATACAGCCACTGGGCTTATACAGTATGCATTGGACCAGGGCG-3'
Protein context (NP_006388.2, residues 103-123): TSMLGRVKYN[Leu113Met]NSLSHDTATG

ClinVar aggregate classification (germline): Uncertain significance (1 of 4 stars; one submission).

Conditions:
Aicardi-Goutieres syndrome 4. Identifiers: Orphanet 51, MedGen C1835912, MONDO:0012472, OMIM 610333.

Submission:

Labcorp Genetics (formerly Invitae), Labcorp
Classification: Uncertain significance for Aicardi-Goutieres syndrome 4. Last evaluated: 2019-01-16. Review status: criteria provided, single submitter. Criteria: Invitae Variant Classification Sherloc (09022015). Collection method: clinical testing. Allele origin: germline.
Comment: This variant is not present in population databases (ExAC no frequency). This sequence change replaces leucine with methionine at codon 113 of the RNASEH2A protein (p.Leu113Met). The leucine residue is highly conserved and there is a small physicochemical difference between leucine and methionine. This variant has not been reported in the literature in individuals with RNASEH2A-related conditions. Algorithms developed to predict the effect of missense changes on protein structure and function are either unavailable or do not agree on the potential impact of this missense change (SIFT: "Deleterious"; PolyPhen-2: "Probably Damaging"; Align-GVGD: "Class C0"). In summary, the available evidence is currently insufficient to determine the role of this variant in disease. Therefore, it has been classified as a Variant of Uncertain Significance.